The following is an entry in ClinVar:

ClinVar aggregate classification (germline): Conflicting classifications of pathogenicity. Review status: criteria provided, conflicting classifications (1 of 4 stars). 3 submissions from 3 submitters: Likely pathogenic (1); Uncertain significance (2). Last evaluated 2022-08-12.

Conditions:
Joubert syndrome 1 (JBTS1). Also called: Cerebellooculorenal syndrome 1; CEREBELLOPARENCHYMAL DISORDER IV. Identifiers: MedGen C4551568, MONDO:0008944, OMIM 213300.

Allele frequency attached by ClinVar (database versions not stated): gnomAD exomes 0.00001.

Submissions (3):

Labcorp Genetics (formerly Invitae), Labcorp
Classification: Uncertain significance. Last evaluated: 2022-08-12. Review status: criteria provided, single submitter. Criteria: Invitae Variant Classification Sherloc (09022015). Collection method: clinical testing. Allele origin: germline.
Comment: In summary, the available evidence is currently insufficient to determine the role of this variant in disease. Therefore, it has been classified as a Variant of Uncertain Significance. Advanced modeling of protein sequence and biophysical properties (such as structural, functional, and spatial information, amino acid conservation, physicochemical variation, residue mobility, and thermodynamic stability) performed at Invitae indicates that this missense variant is not expected to disrupt CPLANE1 protein function. ClinVar contains an entry for this variant (Variation ID: 802116). This variant has not been reported in the literature in individuals affected with CPLANE1-related conditions. This variant is present in population databases (no rsID available, gnomAD 0.004%). This sequence change replaces glycine, which is neutral and non-polar, with alanine, which is neutral and non-polar, at codon 1035 of the CPLANE1 protein (p.Gly1035Ala).

Blueprint Genetics
Classification: Uncertain significance. Last evaluated: 2020-12-09. Review status: criteria provided, single submitter. Criteria: ACMG Guidelines, 2015. Collection method: clinical testing. Allele origin: germline.

Mendelics
Classification: Likely pathogenic for Joubert syndrome 1. Last evaluated: 2019-05-28. Review status: criteria provided, single submitter. Criteria: Mendelics Assertion Criteria 2017. Collection method: clinical testing. Allele origin: unknown.

NM_001384732.1(CPLANE1):c.3104G>C (p.Gly1035Ala)

Gene: CPLANE1 (ciliogenesis and planar polarity effector complex subunit 1; minus strand). Cytogenetic location: 5p13.2.
Variant type: single nucleotide variant.
Coding change: c.3104G>C on transcript NM_001384732.1 (MANE Select); coding-DNA position 3104, G replaced by C.
Protein change: p.Gly1035Ala; replaces glycine 1035 with alanine.
Molecular consequence: missense variant.
Genome position (GRCh38, 1-based): chr5:37,206,242, C>G on the plus strand (G>C on the coding strand, the complement: CPLANE1 is on the minus strand). VCF-style: chr5-37206242-C-G. GRCh37 (hg19) VCF-style: chr5-37206344-C-G.
Other names: c.3104G>C, p.Gly1035Ala (NM_023073.4); short protein forms G1035A.
Identifiers: ClinVar variation 802116 (VCV000802116.8), dbSNP rs1019442092, ClinGen allele CA117082569.